The following is an entry in ClinVar:

ClinVar aggregate classification (germline): Pathogenic (1 of 4 stars; one submission).

Conditions:
Familial focal epilepsy with variable foci (FPEVF). Identifiers: Orphanet 98820, MedGen C1858477, MONDO:0020310.

Submission:

Labcorp Genetics (formerly Invitae), Labcorp
Classification: Pathogenic for Familial focal epilepsy with variable foci. Last evaluated: 2020-10-09. Review status: criteria provided, single submitter. Criteria: Invitae Variant Classification Sherloc (09022015). Collection method: clinical testing. Allele origin: germline.
Comment: This variant is a gross deletion of the genomic region encompassing exon(s) 42-43 of the DEPDC5 gene. The 5' boundary is likely confined to intron 41. The 3' end of this event is unknown as it extends through the termination codon beyond the assayed region for this gene and may encompass additional genes. While this deletion is not anticipated to result in nonsense mediated decay, it is expected to create a truncated protein product or disrupt mRNA translation. This variant has not been reported in the literature in individuals with DEPDC5-related conditions. This variant disrupts the C-terminus of the DEPDC5 protein. Other variant(s) that disrupt this region (p.Gln1536*) have been determined to be pathogenic (PMID: 23542697, 25366275). This suggests that variants that disrupt this region of the protein are likely to be causative of disease. For these reasons, this variant has been classified as Pathogenic.

Literature cited by the submitters: PubMed 23542697; PubMed 25366275.

NC_000022.10:g.(?_32301960)_(32302483_?)del

Gene: DEPDC5 (DEP domain containing 5, GATOR1 subcomplex subunit; plus strand). Cytogenetic location: 22q12.3.
Variant type: Deletion.
Identifiers: ClinVar variation 1073186 (VCV001073186.1).